The following is an entry in ClinVar:

ClinVar aggregate classification (germline): Uncertain significance (1 of 4 stars; one submission).

Conditions:
MAGEL2-related disorder. Also called: MAGEL2-related condition.

gnomAD v4.1: 3 of 1,613,786 alleles (0.00019%); highest among the groups gnomAD compares: Admixed American, 0.005%; no homozygotes.

Submission:

PreventionGenetics, part of Exact Sciences
Classification: Uncertain significance for MAGEL2-related condition. Last evaluated: 2026-05-11. Review status: criteria provided, single submitter. Criteria: ACMG Guidelines, 2015. Collection method: clinical testing. Allele origin: germline.
Comment: The MAGEL2 c.3320G>A variant is predicted to result in the amino acid substitution p.Arg1107Lys. To our knowledge, this variant has not been reported in the literature. This variant is reported in 0.0085% of alleles in individuals of Latino descent in gnomAD. At this time, the clinical significance of this variant is uncertain due to the absence of conclusive functional and genetic evidence.

NM_019066.5(MAGEL2):c.3320G>A (p.Arg1107Lys)

Gene: MAGEL2 (MAGE family member L2; minus strand). Cytogenetic location: 15q11.2.
Variant type: single nucleotide variant.
Coding change: c.3320G>A on transcript NM_019066.5 (MANE Select); coding-DNA position 3320, G replaced by A.
Protein change: p.Arg1107Lys; replaces arginine 1107 with lysine.
Molecular consequence: missense variant.
Genome position (GRCh38, 1-based): chr15:23,644,423, C>T on the plus strand (G>A on the coding strand, the complement: MAGEL2 is on the minus strand). VCF-style: chr15-23644423-C-T. GRCh37 (hg19) VCF-style: chr15-23889570-C-T.
Other names: short protein forms R1107K.
Identifiers: ClinVar variation 4984358 (VCV004984358.1).